The following is an entry in ClinVar:

NM_001395002.1(MAP4K4):c.518G>A (p.Gly173Asp)

Gene: MAP4K4 (mitogen-activated protein kinase kinase kinase kinase 4; plus strand). Cytogenetic location: 2q11.2.
Variant type: single nucleotide variant.
Coding change: c.518G>A on transcript NM_001395002.1 (MANE Select); coding-DNA position 518, G replaced by A.
Protein change: p.Gly173Asp; replaces glycine 173 with aspartic acid.
Molecular consequence: missense variant. On other transcripts: non-coding transcript variant (4).
Genome position (GRCh38, 1-based): chr2:101,831,730, G>A. VCF-style: chr2-101831730-G-A. GRCh37 (hg19) VCF-style: chr2-102448192-G-A.
Other names: c.518G>A, p.Gly173Asp (NM_001242559.2, NM_001242560.2, NM_001384476.1 and 28 more transcripts); c.491G>A, p.Gly164Asp (NM_001384549.1, NM_001384550.1, NM_001384551.1 and 16 more transcripts); short protein forms G173D, G164D.
Identifiers: ClinVar variation 3543008 (VCV003543008.1).

ClinVar aggregate classification (germline): Pathogenic (1 of 4 stars; one submission).

Conditions:
Inborn genetic diseases. Identifiers: MedGen C0950123, MeSH D030342.

Submission:

Ambry Genetics
Classification: Pathogenic for Inborn genetic diseases. Last evaluated: 2024-11-26. Review status: criteria provided, single submitter. Criteria: Ambry Variant Classification Scheme 2023. Collection method: clinical testing. Allele origin: germline.
Comment: The c.518G>A (p.G173D) alteration is located in exon 7 (coding exon 7) of the MAP4K4 gene. This alteration results from a G to A substitution at nucleotide position 518, causing the glycine (G) at amino acid position 173 to be replaced by an aspartic acid (D). This variant was not reported in population-based cohorts in the Genome Aggregation Database (gnomAD). This variant was determined to be de novo in at least one individual with features consistent with MAP4K4-related neurodevelopmental disorder (Patterson, 2023). This amino acid position is highly conserved in available vertebrate species. This missense alteration is located in a region that has a low rate of benign missense variation (Lek, 2016; Firth, 2009). In multiple assays testing MAP4K4 function, this variant showed functionally abnormal and functionally indeterminant results (Patterson, 2023). This alteration is predicted to be deleterious by in silico analysis. Based on the available evidence, this alteration is classified as pathogenic.

Literature cited by the submitters: PubMed 37126546.